The following is an entry in ClinVar:

NM_147196.3(TMIE):c.*695G>A

Gene: TMIE (transmembrane inner ear; plus strand). Cytogenetic location: 3p21.31.
Variant type: single nucleotide variant.
Coding change: c.*695G>A on transcript NM_147196.3 (MANE Select); 695 bases downstream of the stop codon, G replaced by A.
Molecular consequence: 3 prime UTR variant.
Genome position (GRCh38, 1-based): chr3:46,710,383, G>A. VCF-style: chr3-46710383-G-A. GRCh37 (hg19) VCF-style: chr3-46751873-G-A.
Other names: c.*695G>A (NM_001370524.1, NM_001370525.1).
Identifiers: ClinVar variation 345555 (VCV000345555.5), dbSNP rs77244938, ClinGen allele CA10616094.
Genomic context (GRCh38, chr3:46,710,383, plus strand): 5'-TTTCACACGTTGTGATGAAGCTGAGGCTGCTGCCAGGCCCGGCATGAGGCCCCGAGGCTC[G>A]AGCTCGGGGCTGGGGGCTGCAGGGCTGGGTCAGGGGTACACAGAGCTAAGGCCAATGGGC-3'

ClinVar aggregate classification (germline): Likely benign (1 of 4 stars; one submission).

Conditions:
Autosomal recessive nonsyndromic hearing loss 6. Also called: NEUROSENSORY NONSYNDROMIC RECESSIVE DEAFNESS 6. Identifiers: Orphanet 90636, MedGen C1832992, MONDO:0010965, OMIM 600971.

Allele frequency attached by ClinVar (database versions not stated): gnomAD exomes 0.00280; gnomAD 0.05181; TOPMed 0.06123; 1000 Genomes Project 0.06669; 1000 Genomes Project 30x 0.07074.

Submission:

Illumina Laboratory Services, Illumina
Classification: Likely benign for Autosomal recessive nonsyndromic hearing loss 6. Last evaluated: 2017-04-27. Review status: criteria provided, single submitter. Criteria: ICSL Variant Classification Criteria 13 December 2019. Collection method: clinical testing. Allele origin: germline.
Comment: This variant was observed as part of a predisposition screen in an ostensibly healthy population. A literature search was performed for the gene, cDNA change, and amino acid change (where applicable). No publications were found based on this search. Allele frequency data from public databases allowed determination this variant is unlikely to cause disease. Therefore, this variant is classified as likely benign.